The following is an entry in ClinVar:

ClinVar aggregate classification (germline): Uncertain significance. Review status: criteria provided, multiple submitters, no conflicts (2 of 4 stars). 3 submissions from 3 submitters: Uncertain significance (3). Last evaluated 2024-03-06.

Conditions:
Hereditary cancer-predisposing syndrome. Also called: Neoplastic Syndromes, Hereditary; Tumor predisposition; Hereditary neoplastic syndrome; Hereditary Cancer Syndrome. Identifiers: Orphanet 140162, MedGen C0027672, MeSH D009386, MONDO:0015356.
Familial cancer of breast. Also called: BREAST CANCER, FAMILIAL; Hereditary breast cancer; hereditary breast carcinoma. Identifiers: Orphanet 227535, MedGen C0346153, MONDO:0016419, OMIM 114480. Disease mechanism: loss of function.

Submissions (3):

Color Diagnostics, LLC DBA Color Health
Classification: Uncertain significance for Hereditary cancer-predisposing syndrome. Last evaluated: 2024-03-06. Review status: criteria provided, single submitter. Criteria: ACMG Guidelines, 2015. Collection method: clinical testing. Allele origin: germline.
Comment: This missense variant replaces leucine with valine at codon 111 of the BARD1 protein. Computational prediction suggests that this variant may not impact protein structure and function (internally defined REVEL score threshold <= 0.5, PMID: 27666373). To our knowledge, functional studies have not been reported for this variant. This variant has not been reported in individuals affected with hereditary cancer in the literature. This variant has not been identified in the general population by the Genome Aggregation Database (gnomAD). The available evidence is insufficient to determine the role of this variant in disease conclusively. Therefore, this variant is classified as a Variant of Uncertain Significance.

Labcorp Genetics (formerly Invitae), Labcorp
Classification: Uncertain significance for Familial cancer of breast. Last evaluated: 2023-09-20. Review status: criteria provided, single submitter. Criteria: Invitae Variant Classification Sherloc (09022015). Collection method: clinical testing. Allele origin: germline.
Comment: This variant has not been reported in the literature in individuals affected with BARD1-related conditions. In summary, the available evidence is currently insufficient to determine the role of this variant in disease. Therefore, it has been classified as a Variant of Uncertain Significance. An algorithm developed to predict the effect of missense changes on protein structure and function (PolyPhen-2) suggests that this variant is likely to be disruptive. ClinVar contains an entry for this variant (Variation ID: 823576). This variant is not present in population databases (gnomAD no frequency). This sequence change replaces leucine, which is neutral and non-polar, with valine, which is neutral and non-polar, at codon 111 of the BARD1 protein (p.Leu111Val).

Ambry Genetics
Classification: Uncertain significance for Hereditary cancer-predisposing syndrome. Last evaluated: 2019-05-29. Review status: criteria provided, single submitter. Criteria: Ambry Variant Classification Scheme 2023. Collection method: clinical testing. Allele origin: germline.
Comment: The p.L111V variant (also known as c.331C>G), located in coding exon 3 of the BARD1 gene, results from a C to G substitution at nucleotide position 331. The leucine at codon 111 is replaced by valine, an amino acid with highly similar properties. This amino acid position is highly conserved in available vertebrate species. In addition, the in silico prediction for this alteration is inconclusive. Since supporting evidence is limited at this time, the clinical significance of this alteration remains unclear.

NM_000465.4(BARD1):c.331C>G (p.Leu111Val)

Gene: BARD1 (BRCA1 associated RING domain 1; minus strand). Cytogenetic location: 2q35.
Variant type: single nucleotide variant.
Coding change: c.331C>G on transcript NM_000465.4 (MANE Select); coding-DNA position 331, C replaced by G.
Protein change: p.Leu111Val; replaces leucine 111 with valine.
Molecular consequence: missense variant. On other transcripts: non-coding transcript variant (1), intron variant (2).
Genome position (GRCh38, 1-based): chr2:214,792,330, G>C on the plus strand (C>G on the coding strand, the complement: BARD1 is on the minus strand). VCF-style: chr2-214792330-G-C. GRCh37 (hg19) VCF-style: chr2-215657054-G-C.
Other names: c.274C>G, p.Leu92Val (NM_001282543.2); c.331C>G, p.Leu111Val (NM_001282549.2); c.158+17082C>G (NM_001282548.2); c.215+4731C>G (NM_001282545.2); short protein forms L111V, L92V.
Identifiers: ClinVar variation 823576 (VCV000823576.17), dbSNP rs1574839448, ClinGen allele CA350460852.